The following is an entry in ClinVar:

NM_016306.6(DNAJB11):c.457-3T>G

Gene: DNAJB11 (DnaJ heat shock protein family (Hsp40) member B11; plus strand). Cytogenetic location: 3q27.3.
Variant type: single nucleotide variant.
Coding change: c.457-3T>G on transcript NM_016306.6 (MANE Select); 3 bases into the intron before coding-DNA position 457, T replaced by G.
Molecular consequence: intron variant.
Genome position (GRCh38, 1-based): chr3:186,581,368, T>G. VCF-style: chr3-186581368-T-G. GRCh37 (hg19) VCF-style: chr3-186299157-T-G.
Other names: c.324-627T>G (NM_001378451.1).
Identifiers: ClinVar variation 1700490 (VCV001700490.2), dbSNP rs2108483755, ClinGen allele CA2580070502.
Genomic context (GRCh38, chr3:186,581,368, plus strand): 5'-ATTGAGGAAAGGAAAGGCTGTTTTACACAAGAGAGAAGCTGATGTTGTTTATGCACTTCC[T>G]AGGTAGTTAGAAACAAACCTGTGGCAAGGCAGGCTCCTGGCAAACGGAAGTGCAATTGTC-3'

ClinVar aggregate classification (germline): Uncertain significance (1 of 4 stars; one submission).

Submission:

GeneDx
Classification: Uncertain significance. Last evaluated: 2022-02-03. Review status: criteria provided, single submitter. Criteria: GeneDx Variant Classification Process June 2021. Collection method: clinical testing. Allele origin: germline. Affected: yes.
Comment: Not observed at significant frequency in large population cohorts (gnomAD); In silico analysis supports a deleterious effect on splicing; Has not been previously published as pathogenic or benign to our knowledge